The following is an entry in ClinVar:

NM_001253697.2(ERBIN):c.2720G>A (p.Gly907Glu)

Gene: ERBIN (erbb2 interacting protein; plus strand). Cytogenetic location: 5q12.3.
Variant type: single nucleotide variant.
Coding change: c.2720G>A on transcript NM_001253697.2 (MANE Select); coding-DNA position 2720, G replaced by A.
Protein change: p.Gly907Glu; replaces glycine 907 with glutamic acid.
Molecular consequence: missense variant.
Genome position (GRCh38, 1-based): chr5:66,054,038, G>A. VCF-style: chr5-66054038-G-A. GRCh37 (hg19) VCF-style: chr5-65349866-G-A.
Other names: c.2720G>A, p.Gly907Glu (NM_001006600.3, NM_001253698.2, NM_001253699.2 and 1 more transcripts); c.2708G>A, p.Gly903Glu (NM_001253701.2); short protein forms G903E, G907E.
Identifiers: ClinVar variation 3032757 (VCV003032757.2), dbSNP rs1483232055, ClinGen allele CA359867486.

ClinVar aggregate classification (germline): Uncertain significance (0 of 4 stars; one submission).

Conditions:
ERBIN-related disorder. Also called: ERBIN-related condition.

Allele frequency attached by ClinVar (database versions not stated): gnomAD exomes below 0.00001; gnomAD 0.00001; TOPMed 0.00002.
gnomAD v4.1: 5 of 1,613,966 alleles (0.00031%); highest among the groups gnomAD compares: African/African-American, 0.004%; no homozygotes.

Submission:

PreventionGenetics, part of Exact Sciences
Classification: Uncertain significance for ERBIN-related condition. Last evaluated: 2023-10-18. Review status: no assertion criteria provided. Collection method: clinical testing. Allele origin: germline.
Comment: The ERBIN c.2720G>A variant is predicted to result in the amino acid substitution p.Gly907Glu. To our knowledge, this variant has not been reported in the literature or in a large population database, indicating this variant is rare. At this time, the clinical significance of this variant is uncertain due to the absence of conclusive functional and genetic evidence.